The following is an entry in ClinVar:

NM_017617.5(NOTCH1):c.755A>G (p.Gln252Arg)

Gene: NOTCH1 (notch receptor 1; minus strand). Cytogenetic location: 9q34.3.
Variant type: single nucleotide variant.
Coding change: c.755A>G on transcript NM_017617.5 (MANE Select); coding-DNA position 755, A replaced by G.
Protein change: p.Gln252Arg; replaces glutamine 252 with arginine.
Molecular consequence: missense variant.
Genome position (GRCh38, 1-based): chr9:136,519,553, T>C on the plus strand (A>G on the coding strand, the complement: NOTCH1 is on the minus strand). VCF-style: chr9-136519553-T-C. GRCh37 (hg19) VCF-style: chr9-139414005-T-C.
Other names: short protein forms Q252R.
Identifiers: ClinVar variation 3635980 (VCV003635980.2).

ClinVar aggregate classification (germline): Uncertain significance (1 of 4 stars; one submission).

Conditions:
Adams-Oliver syndrome 5 (AOS5). Identifiers: Orphanet 974, MedGen C4014970, MONDO:0014459, OMIM 616028.

Submission:

Labcorp Genetics (formerly Invitae), Labcorp
Classification: Uncertain significance for Adams-Oliver syndrome 5. Last evaluated: 2024-10-03. Review status: criteria provided, single submitter. Criteria: Invitae Variant Classification Sherloc (09022015). Collection method: clinical testing. Allele origin: germline.
Comment: This sequence change replaces glutamine, which is neutral and polar, with arginine, which is basic and polar, at codon 252 of the NOTCH1 protein (p.Gln252Arg). This variant is not present in population databases (gnomAD no frequency). This variant has not been reported in the literature in individuals affected with NOTCH1-related conditions. Invitae Evidence Modeling of protein sequence and biophysical properties (such as structural, functional, and spatial information, amino acid conservation, physicochemical variation, residue mobility, and thermodynamic stability) indicates that this missense variant is not expected to disrupt NOTCH1 protein function with a negative predictive value of 95%. In summary, the available evidence is currently insufficient to determine the role of this variant in disease. Therefore, it has been classified as a Variant of Uncertain Significance.